The following is an entry in ClinVar:

ClinVar aggregate classification (germline): Uncertain significance (1 of 4 stars; one submission).

Conditions:
Symmetrical dyschromatosis of extremities (DSH). Also called: RETICULATE ACROPIGMENTATION OF DOHI; SYMMETRIC DYSCHROMATOSIS OF THE EXTREMITIES; Dyschromatosis symmetrica hereditaria; DYSCHROMATOSIS SYMMETRICA HEREDITARIA 1. Identifiers: Orphanet 41, MedGen C0406775, MONDO:0007483, OMIM 127400.
Aicardi-Goutieres syndrome 6 (AGS6). Identifiers: Orphanet 51, MedGen C3539013, MONDO:0014007, OMIM 615010.

Allele frequency attached by ClinVar (database versions not stated): ExAC 0.00001; gnomAD 0.00002; gnomAD exomes 0.00002; TOPMed 0.00002.
gnomAD v4.1: 18 of 1,613,696 alleles (0.0011%); highest among the groups gnomAD compares: Admixed American, 0.0067%; no homozygotes.

Submission:

Labcorp Genetics (formerly Invitae), Labcorp
Classification: Uncertain significance for Aicardi-Goutieres syndrome 6; Symmetrical dyschromatosis of extremities. Last evaluated: 2025-10-29. Review status: criteria provided, single submitter. Criteria: Invitae Variant Classification Sherloc (09022015). Collection method: clinical testing. Allele origin: germline.
Comment: This sequence change replaces arginine, which is basic and polar, with histidine, which is basic and polar, at codon 114 of the ADAR protein (p.Arg114His). This variant is present in population databases (rs770167108, gnomAD 0.006%). This variant has not been reported in the literature in individuals affected with ADAR-related conditions. ClinVar contains an entry for this variant (Variation ID: 1421167). An algorithm developed to predict the effect of missense changes on protein structure and function outputs the following: PolyPhen-2: "Benign". The histidine amino acid residue is found in multiple mammalian species, which suggests that this missense change does not adversely affect protein function. In summary, the available evidence is currently insufficient to determine the role of this variant in disease. Therefore, it has been classified as a Variant of Uncertain Significance.

NM_001111.5(ADAR):c.341G>A (p.Arg114His)

Gene: ADAR (adenosine deaminase RNA specific; minus strand). Cytogenetic location: 1q21.3.
Variant type: single nucleotide variant.
Coding change: c.341G>A on transcript NM_001111.5 (MANE Select); coding-DNA position 341, G replaced by A.
Protein change: p.Arg114His; replaces arginine 114 with histidine.
Molecular consequence: missense variant. On other transcripts: 5 prime UTR variant (3), intron variant (3).
Genome position (GRCh38, 1-based): chr1:154,602,301, C>T on the plus strand (G>A on the coding strand, the complement: ADAR is on the minus strand). VCF-style: chr1-154602301-C-T. GRCh37 (hg19) VCF-style: chr1-154574777-C-T.
Other names: c.-545G>A (NM_001025107.3, NM_001193495.2, NM_001365048.1); c.368G>A, p.Arg123His (NM_001365045.1); c.341G>A, p.Arg114His (NM_015840.4, NM_015841.4); c.-492-53G>A (NM_001365046.1, NM_001365049.1, NM_001365047.1); short protein forms R123H, R114H.
Identifiers: ClinVar variation 1421167 (VCV001421167.5), dbSNP rs770167108, ClinGen allele CA1131714.
Genomic context (GRCh38, chr1:154,602,301, plus strand): 5'-CTCAGTTCCTGGAAATGTGAGGAAAGGCAATCAACACCTCTCTGTGGCAGACTCCTGCCA[C>T]GTGGTGAAGGATGCTGGAACCCTCTCTGGAGCCCCTGACTTCTGAGATGCACGCCCCTGG-3'
Protein context (NP_001102.3, residues 104-124): LQRGFQHPSP[Arg114His]GRSLPQRGVD